The following is an entry in ClinVar:

ClinVar aggregate classification (germline): Likely pathogenic (1 of 4 stars; one submission).

Conditions:
Hypogonadotropic hypogonadism 1 with or without anosmia (HH1). Also called: Kallmann syndrome, type 1, X-linked; DYSPLASIA OLFACTOGENITALIS OF DE MORSIER; HYPOGONADOTROPIC HYPOGONADISM 1 WITH ANOSMIA; KAL1-Related GnRH Deficiency (Kallmann Syndrome 1; Kallmann Syndrome, X-Linked); Hypogonadotropic hypogonadism 1 with or without anosmia (Kallmann syndrome 1); HYPOGONADOTROPIC HYPOGONADISM AND ANOSMIA. Identifiers: Orphanet 478, MedGen C1563719, MONDO:0010635, OMIM 308700. Disease mechanism: loss of function.

Submission:

Labcorp Genetics (formerly Invitae), Labcorp
Classification: Likely pathogenic for Hypogonadotropic hypogonadism 1 with or without anosmia. Last evaluated: 2023-10-09. Review status: criteria provided, single submitter. Criteria: Invitae Variant Classification Sherloc (09022015). Collection method: clinical testing. Allele origin: germline.
Comment: This sequence change affects an acceptor splice site in intron 9 of the ANOS1 gene. It is expected to disrupt RNA splicing. Variants that disrupt the donor or acceptor splice site typically lead to a loss of protein function (PMID: 16199547), and loss-of-function variants in ANOS1 are known to be pathogenic (PMID: 8504298, 11297579). This variant is not present in population databases (gnomAD no frequency). This variant has not been reported in the literature in individuals affected with ANOS1-related conditions. Algorithms developed to predict the effect of sequence changes on RNA splicing suggest that this variant may disrupt the consensus splice site. In summary, the currently available evidence indicates that the variant is pathogenic, but additional data are needed to prove that conclusively. Therefore, this variant has been classified as Likely Pathogenic.

Literature cited by the submitters: PubMed 16199547; PubMed 8504298; PubMed 11297579.

NM_000216.4(ANOS1):c.1355-1G>T

Gene: ANOS1 (anosmin 1; minus strand). Cytogenetic location: Xp22.31.
Variant type: single nucleotide variant.
Coding change: c.1355-1G>T on transcript NM_000216.4 (MANE Select); the canonical splice acceptor site of the intron before coding-DNA position 1355, G replaced by T.
Molecular consequence: splice acceptor variant.
Genome position (GRCh38, 1-based): chrX:8,539,759, C>A on the plus strand (G>T on the coding strand, the complement: ANOS1 is on the minus strand). VCF-style: chrX-8539759-C-A. GRCh37 (hg19) VCF-style: chrX-8507800-C-A.
Identifiers: ClinVar variation 2767251 (VCV002767251.3), dbSNP rs2518469618, ClinGen allele CA411990967.
Genomic context (GRCh38, chrX:8,539,759, plus strand): 5'-TTCTGTTGTGGGCACACGCTTCAGGAAACCACCGCACATGATATCGGTTGACAGTGGGAT[C>A]TATAATGCCAAAACACGCAAACAAAAATAATAGGCTGGATGTTACATTCCAGGTAGCCTG-3'